The following is an entry in ClinVar:

NM_006218.4(PIK3CA):c.3111G>T (p.Glu1037Asp)

Gene: PIK3CA (phosphatidylinositol-4,5-bisphosphate 3-kinase catalytic subunit alpha; plus strand). Cytogenetic location: 3q26.32.
Variant type: single nucleotide variant.
Coding change: c.3111G>T on transcript NM_006218.4 (MANE Select); coding-DNA position 3111, G replaced by T.
Protein change: p.Glu1037Asp; replaces glutamic acid 1037 with aspartic acid.
Molecular consequence: missense variant.
Genome position (GRCh38, 1-based): chr3:179,234,268, G>T. VCF-style: chr3-179234268-G-T. GRCh37 (hg19) VCF-style: chr3-178952056-G-T.
Other names: short protein forms E1037D.
Identifiers: ClinVar variation 3932393 (VCV003932393.1).

ClinVar aggregate classification (germline): Uncertain significance (1 of 4 stars; one submission).

Conditions:
Inborn genetic diseases. Identifiers: MedGen C0950123, MeSH D030342.

Submission:

Ambry Genetics
Classification: Uncertain significance for Inborn genetic diseases. Last evaluated: 2025-03-31. Review status: criteria provided, single submitter. Criteria: Ambry Variant Classification Scheme 2023. Collection method: clinical testing. Allele origin: germline.
Comment: The p.E1037D variant (also known as c.3111G>T), located in coding exon 20 of the PIK3CA gene, results from a G to T substitution at nucleotide position 3111. The glutamic acid at codon 1037 is replaced by aspartic acid, an amino acid with highly similar properties. This amino acid position is conserved. In addition, this alteration is predicted to be tolerated by in silico analysis. Based on the available evidence, the clinical significance of this variant remains unclear.